The following is an entry in ClinVar:

NM_001040108.2(MLH3):c.2639T>A (p.Leu880Gln)

Gene: MLH3 (mutL homolog 3; minus strand). Cytogenetic location: 14q24.3.
Variant type: single nucleotide variant.
Coding change: c.2639T>A on transcript NM_001040108.2 (MANE Select); coding-DNA position 2639, T replaced by A.
Protein change: p.Leu880Gln; replaces leucine 880 with glutamine.
Molecular consequence: missense variant.
Genome position (GRCh38, 1-based): chr14:75,047,017, A>T on the plus strand (T>A on the coding strand, the complement: MLH3 is on the minus strand). VCF-style: chr14-75047017-A-T. GRCh37 (hg19) VCF-style: chr14-75513720-A-T.
Other names: c.2639T>A, p.Leu880Gln (NM_014381.3); short protein forms L880Q.
Identifiers: ClinVar variation 4695091 (VCV004695091.1).

ClinVar aggregate classification (germline): Uncertain significance (1 of 4 stars; one submission).

Conditions:
Colorectal cancer, hereditary nonpolyposis, type 7. Identifiers: Orphanet 144, MedGen C1858380, MONDO:0013725, OMIM 614385.

Submission:

Labcorp Genetics (formerly Invitae), Labcorp
Classification: Uncertain significance for Colorectal cancer, hereditary nonpolyposis, type 7. Last evaluated: 2025-08-24. Review status: criteria provided, single submitter. Criteria: Invitae Variant Classification Sherloc (09022015). Collection method: clinical testing. Allele origin: germline.
Comment: This sequence change replaces leucine, which is neutral and non-polar, with glutamine, which is neutral and polar, at codon 880 of the MLH3 protein (p.Leu880Gln). This variant is not present in population databases (gnomAD no frequency). This variant has not been reported in the literature in individuals affected with MLH3-related conditions. An algorithm developed to predict the effect of missense changes on protein structure and function (PolyPhen-2) suggests that this variant is likely to be tolerated. In summary, the available evidence is currently insufficient to determine the role of this variant in disease. Therefore, it has been classified as a Variant of Uncertain Significance.